The following is an entry in ClinVar:

ClinVar aggregate classification (germline): Uncertain significance. Review status: criteria provided, multiple submitters, no conflicts (2 of 4 stars). 2 submissions from 2 submitters: Uncertain significance (2). Last evaluated 2025-04-08.

Conditions:
Inborn genetic diseases. Identifiers: MedGen C0950123, MeSH D030342.

Submissions (2):

Labcorp Genetics (formerly Invitae), Labcorp
Classification: Uncertain significance. Last evaluated: 2025-04-08. Review status: criteria provided, single submitter. Criteria: Invitae Variant Classification Sherloc (09022015). Collection method: clinical testing. Allele origin: germline.
Comment: This sequence change replaces leucine, which is neutral and non-polar, with valine, which is neutral and non-polar, at codon 1003 of the BRWD3 protein (p.Leu1003Val). This variant is not present in population databases (gnomAD no frequency). This variant has not been reported in the literature in individuals affected with BRWD3-related conditions. ClinVar contains an entry for this variant (Variation ID: 2069733). Invitae Evidence Modeling of protein sequence and biophysical properties (such as structural, functional, and spatial information, amino acid conservation, physicochemical variation, residue mobility, and thermodynamic stability) has been performed for this missense variant. However, the output from this modeling did not meet the statistical confidence thresholds required to predict the impact of this variant on BRWD3 protein function. In summary, the available evidence is currently insufficient to determine the role of this variant in disease. Therefore, it has been classified as a Variant of Uncertain Significance.

Ambry Genetics
Classification: Uncertain significance for Inborn genetic diseases. Last evaluated: 2022-05-26. Review status: criteria provided, single submitter. Criteria: Ambry Variant Classification Scheme 2023. Collection method: clinical testing. Allele origin: germline.

NM_153252.5(BRWD3):c.3007T>G (p.Leu1003Val)

Gene: BRWD3 (bromodomain and WD repeat domain containing 3; minus strand). Cytogenetic location: Xq21.1.
Variant type: single nucleotide variant.
Coding change: c.3007T>G on transcript NM_153252.5 (MANE Select); coding-DNA position 3007, T replaced by G.
Protein change: p.Leu1003Val; replaces leucine 1003 with valine.
Molecular consequence: missense variant.
Genome position (GRCh38, 1-based): chrX:80,696,800, A>C on the plus strand (T>G on the coding strand, the complement: BRWD3 is on the minus strand). VCF-style: chrX-80696800-A-C. GRCh37 (hg19) VCF-style: chrX-79952299-A-C.
Other names: short protein forms L1003V.
Identifiers: ClinVar variation 2069733 (VCV002069733.5), dbSNP rs2520250559, ClinGen allele CA413621518.
Genomic context (GRCh38, chrX:80,696,800, plus strand): 5'-TAATGGAAAAAGATTCTCCAGTCATTTTGCCTGAAATTGGGTCCAGAAATGCAAGCTTCA[A>C]GCAGCACAGTGTGGGTGGGCCAACCTCATATTTGATTCCTACAATCTTAACAAACTCTTG-3'
Protein context (NP_694984.5, residues 993-1013): YEVGPPTLCC[Leu1003Val]KLAFLDPISG